The following is an entry in ClinVar:

NM_182961.4(SYNE1):c.17505C>T (p.Leu5835=)

Genes: SYNE1 (spectrin repeat containing nuclear envelope protein 1; minus strand), LOC129997480 (ATAC-STARR-seq lymphoblastoid active region 25287; plus strand). Cytogenetic location: 6q25.2.
Variant type: single nucleotide variant.
Coding change: c.17505C>T on transcript NM_182961.4 (MANE Select); coding-DNA position 17505, C replaced by T.
Protein change: p.Leu5835=; no amino-acid change (leucine 5835 retained).
Molecular consequence: synonymous variant.
Genome position (GRCh38, 1-based): chr6:152,301,905, G>A on the plus strand (C>T on the coding strand, the complement: SYNE1 is on the minus strand). VCF-style: chr6-152301905-G-A. GRCh37 (hg19) VCF-style: chr6-152623040-G-A.
Other names: c.17292C>T, p.Leu5764= (NM_033071.5).
Identifiers: ClinVar variation 199219 (VCV000199219.21), dbSNP rs148731167, ClinGen allele CA248300.

ClinVar aggregate classification (germline): Conflicting classifications of pathogenicity. Review status: criteria provided, conflicting classifications (1 of 4 stars). 6 submissions from 5 submitters: Uncertain significance (1); Benign (3); Likely benign (2). Last evaluated 2025-12-26.

Conditions:
Autosomal recessive ataxia, Beauce type. Also called: SYNE1-Related Autosomal Recessive Cerebellar Ataxia; ATAXIA, RECESSIVE, OF BEAUCE; Spinocerebellar ataxia, autosomal recessive 8; SYNE1 Deficiency. Identifiers: Orphanet 88644, MedGen C1853116, MONDO:0012549, OMIM 610743.
Emery-Dreifuss muscular dystrophy 4, autosomal dominant (EDMD4). Also called: EMERY-DREIFUSS MUSCULAR DYSTROPHY 4 WITH VARIABLE FEATURES. Identifiers: Orphanet 261, MedGen C2751807, MONDO:0013071, OMIM 612998.

Allele frequency attached by ClinVar (database versions not stated): gnomAD exomes 0.00032 and 0.00072; gnomAD 0.00034 and 0.00035; ExAC 0.00042; TOPMed 0.00048; ESP Exome Variant Server 0.00069.
gnomAD v4.1: 547 of 1,613,810 alleles (0.034%); highest among the groups gnomAD compares: Non-Finnish European, 0.0051%; 3 homozygotes.

Submissions (6):

Labcorp Genetics (formerly Invitae), Labcorp
Classification: Benign for Emery-Dreifuss muscular dystrophy 4, autosomal dominant; Autosomal recessive ataxia, Beauce type. Last evaluated: 2025-12-26. Review status: criteria provided, single submitter. Criteria: Invitae Variant Classification Sherloc (09022015). Collection method: clinical testing. Allele origin: germline.

Blueprint Genetics
Classification: Benign. Last evaluated: 2024-10-23. Review status: criteria provided, single submitter. Criteria: ACMG Guidelines, 2015. Collection method: clinical testing. Allele origin: germline.

GeneDx
Classification: Likely benign. Last evaluated: 2020-04-06. Review status: criteria provided, single submitter. Criteria: GeneDx Variant Classification Process June 2021. Collection method: clinical testing. Allele origin: germline. Affected: yes.

Illumina Laboratory Services, Illumina
Classification: Benign for Emery-Dreifuss muscular dystrophy 4, autosomal dominant. Last evaluated: 2018-01-13. Review status: criteria provided, single submitter. Criteria: ICSL Variant Classification Criteria 13 December 2019. Collection method: clinical testing. Allele origin: germline.
Comment: This variant was observed in the ICSL laboratory as part of a predisposition screen in an ostensibly healthy population. It had not been previously curated by ICSL or reported in the Human Gene Mutation Database (HGMD: prior to June 1st, 2018), and was therefore a candidate for classification through an automated scoring system. Utilizing variant allele frequency, disease prevalence and penetrance estimates, and inheritance mode, an automated score was calculated to assess if this variant is too frequent to cause the disease. Based on the score and internal cut-off values, a variant classified as benign is not then subjected to further curation. The score for this variant resulted in a classification of benign for this disease.

Illumina Laboratory Services, Illumina
Classification: Uncertain significance for Autosomal recessive ataxia, Beauce type. Last evaluated: 2018-01-13. Review status: criteria provided, single submitter. Criteria: ICSL Variant Classification Criteria 13 December 2019. Collection method: clinical testing. Allele origin: germline.

Eurofins Ntd Llc (ga)
Classification: Likely benign. Last evaluated: 2017-05-09. Review status: criteria provided, single submitter. Criteria: EGL Classification Definitions 2015. Collection method: clinical testing. Allele origin: germline. Observed: 5 variant alleles, 5 heterozygotes.